The following is an entry in ClinVar:

ClinVar aggregate classification (germline): Benign/Likely benign. Review status: criteria provided, multiple submitters, no conflicts (2 of 4 stars). 4 submissions from 4 submitters: Benign (1); Likely benign (3). Last evaluated 2025-12-17.

Conditions:
POLR3A-related disorder. Also called: POLR3A-related condition; POLR3A-related disorders. Identifiers: MedGen CN378587, MONDO:0700276.
Leukodystrophy, hypomyelinating, 7, with or without oligodontia and/or hypogonadotropic hypogonadism (HLD7). Also called: Ataxia, Delayed Dentition and Hypomyelination (ADDH); LEUKOENCEPHALOPATHY, HYPOMYELINATING, WITH ATAXIA AND DELAYED DENTITION; ATAXIA, DELAYED DENTITION, AND HYPOMYELINATION; LEUKODYSTROPHY, HYPOMYELINATING, 7, WITH OLIGODONTIA; LEUKODYSTROPHY, HYPOMYELINATING, 7, WITH OLIGODONTIA AND HYPOGONADOTROPIC HYPOGONADISM; LEUKODYSTROPHY, HYPOMYELINATING, 7, WITHOUT OLIGODONTIA OR HYPOGONADOTROPIC HYPOGONADISM. Identifiers: Orphanet 137639, Orphanet 447893, Orphanet 447896, Orphanet 77295, Orphanet 88637, MedGen CN034185, MONDO:0011897, OMIM 607694.

Allele frequency attached by ClinVar (database versions not stated): gnomAD exomes 0.00021 and 0.00080; gnomAD 0.00029 and 0.00038; TOPMed 0.00038; ExAC 0.00075; 1000 Genomes Project 30x 0.00203; 1000 Genomes Project 0.00220.
gnomAD v4.1: 371 of 1,614,144 alleles (0.023%); highest among the groups gnomAD compares: East Asian, 0.72%; 3 homozygotes.

Submissions (4):

Labcorp Genetics (formerly Invitae), Labcorp
Classification: Benign. Last evaluated: 2025-12-17. Review status: criteria provided, single submitter. Criteria: Invitae Variant Classification Sherloc (09022015). Collection method: clinical testing. Allele origin: germline.

PreventionGenetics, part of Exact Sciences
Classification: Likely benign for POLR3A-related condition. Last evaluated: 2025-01-28. Review status: criteria provided, single submitter. Criteria: ACMG Guidelines, 2015. Collection method: clinical testing. Allele origin: germline.
Comment: This variant is classified as likely benign based on ACMG/AMP sequence variant interpretation guidelines (Richards et al. 2015 PMID: 25741868, with internal and published modifications).

Blueprint Genetics
Classification: Likely benign. Last evaluated: 2024-11-11. Review status: criteria provided, single submitter. Criteria: ACMG Guidelines, 2015. Collection method: clinical testing. Allele origin: germline.

Illumina Laboratory Services, Illumina
Classification: Likely benign for Leukodystrophy, hypomyelinating, 7, with or without oligodontia and/or hypogonadotropic hypogonadism. Last evaluated: 2018-01-12. Review status: criteria provided, single submitter. Criteria: ICSL Variant Classification Criteria 13 December 2019. Collection method: clinical testing. Allele origin: germline.
Comment: This variant was observed in the ICSL laboratory as part of a predisposition screen in an ostensibly healthy population. It had not been previously curated by ICSL or reported in the Human Gene Mutation Database (HGMD: prior to June 1st, 2018), and was therefore a candidate for classification through an automated scoring system. Utilizing variant allele frequency, disease prevalence and penetrance estimates, and inheritance mode, an automated score was calculated to assess if this variant is too frequent to cause the disease. Based on the score and internal cut-off values, a variant classified as likely benign is not then subjected to further curation. The score for this variant resulted in a classification of likely benign for this disease.

NM_007055.4(POLR3A):c.3036A>G (p.Glu1012=)

Gene: POLR3A (RNA polymerase III subunit A; minus strand). Cytogenetic location: 10q22.3.
Variant type: single nucleotide variant.
Coding change: c.3036A>G on transcript NM_007055.4 (MANE Select); coding-DNA position 3036, A replaced by G.
Protein change: p.Glu1012=; no amino-acid change (glutamic acid 1012 retained).
Molecular consequence: synonymous variant.
Genome position (GRCh38, 1-based): chr10:77,985,938, T>C on the plus strand (A>G on the coding strand, the complement: POLR3A is on the minus strand). VCF-style: chr10-77985938-T-C. GRCh37 (hg19) VCF-style: chr10-79745696-T-C.
Identifiers: ClinVar variation 301049 (VCV000301049.17), dbSNP rs192102097, ClinGen allele CA5570946.